The following is an entry in ClinVar:

NM_014249.4(NR2E3):c.124_140del (p.Ser42fs)

Gene: NR2E3 (nuclear receptor subfamily 2 group E member 3; plus strand). Cytogenetic location: 15q23.
Variant type: Deletion.
Coding change: c.124_140del on transcript NM_014249.4 (MANE Select); coding-DNA positions 124 to 140, 17 bases deleted (AGCCCCTCGCTCCAGTG).
Protein change: p.Ser42fs; shifts the reading frame from serine 42.
Molecular consequence: frameshift variant.
Genome position (GRCh38, 1-based): chr15:71,811,488-71,811,504, AGCCCCTCGCTCCAGTG deleted; deleting any 17 consecutive bases within chr15:71,811,485-71,811,504 gives the same sequence; the c. name uses the placement nearest the transcript's 3' end. VCF-style (leftmost placement, unchanged base first): chr15-71811484-CGTGAGCCCCTCGCTCCA-C. GRCh37 (hg19) VCF-style: chr15-72103824-CGTGAGCCCCTCGCTCCA-C.
Other names: c.124_140del, p.Ser42fs (NM_016346.4); short protein forms S42fs.
Identifiers: ClinVar variation 4850264 (VCV004850264.1).

ClinVar aggregate classification (germline): Likely pathogenic (1 of 4 stars; one submission).

Conditions:
Retinitis pigmentosa 37 (RP37). Identifiers: Orphanet 791, MedGen C1970163, MONDO:0012625, OMIM 611131.
ENHANCED S-CONE SYNDROME 1 (ESCS1). Also called: RETINOSCHISIS WITH EARLY HEMERALOPIA; FAVRE HYALOIDEORETINAL DEGENERATION. Identifiers: MedGen CN380299, OMIM 268100.

Submission:

First Genomix Gene Laboratory, Genetic Diagnostics Department
Classification: Likely pathogenic for ENHANCED S-CONE SYNDROME 1; Retinitis pigmentosa 37. Last evaluated: 2025-09-08. Review status: criteria provided, single submitter. Criteria: ACMG Guidelines, 2015. Collection method: clinical testing. Allele origin: germline. Inheritance: Autosomal recessive inheritance. Affected: no. Observed: 1 variant allele.